The following is an entry in ClinVar:

ClinVar aggregate classification (germline): Uncertain significance (1 of 4 stars; one submission).

Conditions:
Hereditary cancer-predisposing syndrome. Also called: Hereditary neoplastic syndrome; Hereditary Cancer Syndrome; Neoplastic Syndromes, Hereditary; Tumor predisposition. Identifiers: Orphanet 140162, MedGen C0027672, MeSH D009386, MONDO:0015356.

Submission:

Color Diagnostics, LLC DBA Color Health
Classification: Uncertain significance for Hereditary cancer-predisposing syndrome. Last evaluated: 2023-03-18. Review status: criteria provided, single submitter. Criteria: ACMG Guidelines, 2015. Collection method: clinical testing. Allele origin: germline.
Comment: This missense variant replaces glutamine with arginine at codon 501 of the ATM protein. Computational prediction suggests that this variant may not impact protein structure and function (internally defined REVEL score threshold <= 0.5, PMID: 27666373). To our knowledge, functional studies have not been reported for this variant. This variant has not been reported in individuals affected with ATM-related disorders in the literature. This variant has not been identified in the general population by the Genome Aggregation Database (gnomAD). The available evidence is insufficient to determine the role of this variant in disease conclusively. Therefore, this variant is classified as a Variant of Uncertain Significance.

NM_000051.4(ATM):c.1502A>G (p.Gln501Arg)

Gene: ATM (ATM serine/threonine kinase; plus strand). Cytogenetic location: 11q22.3.
Variant type: single nucleotide variant.
Coding change: c.1502A>G on transcript NM_000051.4 (MANE Select); coding-DNA position 1502, A replaced by G.
Protein change: p.Gln501Arg; replaces glutamine 501 with arginine.
Molecular consequence: missense variant.
Genome position (GRCh38, 1-based): chr11:108,250,967, A>G. VCF-style: chr11-108250967-A-G. GRCh37 (hg19) VCF-style: chr11-108121694-A-G.
Other names: c.1502A>G, p.Gln501Arg (NM_001351834.2); short protein forms Q501R.
Identifiers: ClinVar variation 2774126 (VCV002774126.2), dbSNP rs2135324965, ClinGen allele CA382534236.